The following is an entry in ClinVar:

NM_000512.5(GALNS):c.1376C>T (p.Ala459Val)

Genes: GALNS (galactosamine (N-acetyl)-6-sulfatase; minus strand), LOC126862447 (CDK7 strongly-dependent group 2 enhancer GRCh37_chr16:88884193-88885392; plus strand). Cytogenetic location: 16q24.3.
Variant type: single nucleotide variant.
Coding change: c.1376C>T on transcript NM_000512.5 (MANE Select); coding-DNA position 1376, C replaced by T.
Protein change: p.Ala459Val; replaces alanine 459 with valine.
Molecular consequence: missense variant.
Genome position (GRCh38, 1-based): chr16:88,818,113, G>A on the plus strand (C>T on the coding strand, the complement: GALNS is on the minus strand). VCF-style: chr16-88818113-G-A. GRCh37 (hg19) VCF-style: chr16-88884521-G-A.
Other names: c.821C>T, p.Ala274Val (NM_001323543.2); c.1394C>T, p.Ala465Val (NM_001323544.2); short protein forms A459V, A274V, A465V.
Identifiers: ClinVar variation 321189 (VCV000321189.23), dbSNP rs114703967, ClinGen allele CA8234679.
Genomic context (GRCh38, chr16:88,818,113, plus strand): 5'-AAGGCCTCCTGGTGCTGCTGGACGACCGAGGTGATCCTGCTGAGGGCCTCCTGGTACTCG[G>A]CGCTGGCAAAGCTGGGGACAGAGAGCTCTGGTCACACGGCTGGGGCTGACAGCGAAGGAC-3'
Protein context (NP_000503.1, residues 449-469): GERFPLSFAS[Ala459Val]EYQEALSRIT

ClinVar aggregate classification (germline): Benign. Review status: criteria provided, multiple submitters, no conflicts (2 of 4 stars). 7 submissions from 7 submitters: Benign (6). 1 of the submissions does not count toward it. Last evaluated 2026-02-04.

Conditions:
Mucopolysaccharidosis, MPS-IV-A (MPS4A). Also called: Mucopolysaccharidosis type IV A; Mucopolysaccharidosis Type IVA; Morquio syndrome A, mild; MORQUIO SYNDROME A; MPS IVA; mucopolysaccharidosis type 4A. Identifiers: Orphanet 309297, Orphanet 582, MedGen C0086651, MONDO:0009659, OMIM 253000.

Allele frequency attached by ClinVar (database versions not stated): gnomAD exomes 0.00335 and 0.00912; ExAC 0.01873; gnomAD 0.03274 and 0.03559; 1000 Genomes Project 0.03415; 1000 Genomes Project 30x 0.03638; TOPMed 0.03745; ESP Exome Variant Server 0.03869.
gnomAD v4.1: 9,948 of 1,573,198 alleles (0.63%); highest among the groups gnomAD compares: African/African-American, 12%; 542 homozygotes.

Submissions (7):

Labcorp Genetics (formerly Invitae), Labcorp
Classification: Benign for Mucopolysaccharidosis, MPS-IV-A. Last evaluated: 2026-02-04. Review status: criteria provided, single submitter. Criteria: Invitae Variant Classification Sherloc (09022015). Collection method: clinical testing. Allele origin: germline.

Genome-Nilou Lab
Classification: Benign for Mucopolysaccharidosis, MPS-IV-A. Last evaluated: 2021-11-07. Review status: criteria provided, single submitter. Criteria: ACMG Guidelines, 2015. Collection method: clinical testing. Allele origin: germline. Affected: no.

GeneDx
Classification: Benign. Last evaluated: 2018-06-13. Review status: criteria provided, single submitter. Criteria: GeneDx Variant Classification (06012015). Collection method: clinical testing. Allele origin: germline. Affected: yes.
Comment: This variant is considered likely benign or benign based on one or more of the following criteria: it is a conservative change, it occurs at a poorly conserved position in the protein, it is predicted to be benign by multiple in silico algorithms, and/or has population frequency not consistent with disease.

Illumina Laboratory Services, Illumina
Classification: Benign for Mucopolysaccharidosis, MPS-IV-A. Last evaluated: 2018-01-13. Review status: criteria provided, single submitter. Criteria: ICSL Variant Classification Criteria 13 December 2019. Collection method: clinical testing. Allele origin: germline.
Comment: This variant was observed in the ICSL laboratory as part of a predisposition screen in an ostensibly healthy population. It had not been previously curated by ICSL or reported in the Human Gene Mutation Database (HGMD: prior to June 1st, 2018), and was therefore a candidate for classification through an automated scoring system. Utilizing variant allele frequency, disease prevalence and penetrance estimates, and inheritance mode, an automated score was calculated to assess if this variant is too frequent to cause the disease. Based on the score and internal cut-off values, a variant classified as benign is not then subjected to further curation. The score for this variant resulted in a classification of benign for this disease.

Women's Health and Genetics/Laboratory Corporation of America, LabCorp
Classification: Benign. Last evaluated: 2017-10-30. Review status: criteria provided, single submitter. Criteria: LabCorp Variant Classification Summary - May 2015. Collection method: clinical testing. Allele origin: germline.
Comment: Variant summary: The GALNS c.1376C>T (p.Ala459Val) variant involves the alteration of a non-conserved nucleotide and 3/4 in silico tools predict a benign outcome for this variant (SNPsandGO not captured due to low reliability index). This variant was found in 2649/218538 control chromosomes (gnomAD), predominantly observed in the African subpopulation at a frequency of 0.119713 (2406/20098). This frequency is about 59 times the estimated maximal expected allele frequency of a pathogenic GALNS variant (0.0020412), suggesting this is likely a benign polymorphism found primarily in the populations of African origin. A publication, Bunge_1997, cites the variant of interest in an affected individual, who was homozygote for a pathogenic GALNS variant, G47R. In addition, multiple clinical diagnostic laboratories classified this variant as likely benign/benign. Taken together, this variant is classified as benign.

Breakthrough Genomics
Classification: Benign. Review status: criteria provided, single submitter. Criteria: ACMG Guidelines, 2015. Collection method: not provided. Allele origin: germline. Inheritance: Autosomal recessive inheritance. Affected: yes.

Mayo Clinic Laboratories, Mayo Clinic
Classification: Benign. Last evaluated: 2017-04-24. Review status: no assertion criteria provided. Collection method: clinical testing. Allele origin: unknown. Not counted in ClinVar's aggregate classification.

Literature cited by the submitters: PubMed 9401012 (cited by Women's Health and Genetics/Laboratory Corporation of America, LabCorp).